The following is an entry in ClinVar:

ClinVar aggregate classification (germline): Uncertain significance (1 of 4 stars; one submission).

gnomAD v4.1: 3 of 1,608,350 alleles (0.00019%); highest among the groups gnomAD compares: Non-Finnish European, 0.00026%; no homozygotes.

Submission:

Labcorp Genetics (formerly Invitae), Labcorp
Classification: Uncertain significance. Last evaluated: 2025-09-05. Review status: criteria provided, single submitter. Criteria: Invitae Variant Classification Sherloc (09022015). Collection method: clinical testing. Allele origin: germline.
Comment: This sequence change replaces isoleucine, which is neutral and non-polar, with valine, which is neutral and non-polar, at codon 1310 of the C2CD3 protein (p.Ile1310Val). This variant is present in population databases (no rsID available, gnomAD 0.007%). This variant has not been reported in the literature in individuals affected with C2CD3-related conditions. Invitae Evidence Modeling of protein sequence and biophysical properties (such as structural, functional, and spatial information, amino acid conservation, physicochemical variation, residue mobility, and thermodynamic stability) indicates that this missense variant is not expected to disrupt C2CD3 protein function with a negative predictive value of 80%. In summary, the available evidence is currently insufficient to determine the role of this variant in disease. Therefore, it has been classified as a Variant of Uncertain Significance.

NM_001286577.2(C2CD3):c.3928A>G (p.Ile1310Val)

Gene: C2CD3 (C2 domain containing 3 centriole elongation regulator; minus strand). Cytogenetic location: 11q13.4.
Variant type: single nucleotide variant.
Coding change: c.3928A>G on transcript NM_001286577.2 (MANE Select); coding-DNA position 3928, A replaced by G.
Protein change: p.Ile1310Val; replaces isoleucine 1310 with valine.
Molecular consequence: missense variant.
Genome position (GRCh38, 1-based): chr11:74,084,953, T>C on the plus strand (A>G on the coding strand, the complement: C2CD3 is on the minus strand). VCF-style: chr11-74084953-T-C. GRCh37 (hg19) VCF-style: chr11-73795998-T-C.
Other names: c.3928A>G, p.Ile1310Val (NM_015531.6); short protein forms I1310V.
Identifiers: ClinVar variation 4778851 (VCV004778851.1).